The following is an entry in ClinVar:

NM_000273.3(GPR143):c.165_193del (p.Pro57fs)

Gene: GPR143 (G protein-coupled receptor 143; minus strand). Cytogenetic location: Xp22.2.
Variant type: Deletion.
Coding change: c.165_193del on transcript NM_000273.3 (MANE Select); coding-DNA positions 165 to 193, 29 bases deleted (GGGCCCCGGGTCCCCCGCGACGTCCCCGC).
Protein change: p.Pro57fs; shifts the reading frame from proline 57.
Molecular consequence: frameshift variant.
Genome position (GRCh38, 1-based): chrX:9,765,625-9,765,653, GCGGGGACGTCGCGGGGGACCCGGGGCCC deleted on the plus strand (GGGCCCCGGGTCCCCCGCGACGTCCCCGC on the coding strand, the reverse complement: GPR143 is on the minus strand); deleting any 29 consecutive bases within chrX:9,765,625-9,765,658 gives the same sequence; the c. name uses the placement nearest the transcript's 3' end. VCF-style (leftmost placement, unchanged base first): chrX-9765624-GGCGGGGACGTCGCGGGGGACCCGGGGCCC-G. GRCh37 (hg19) VCF-style: chrX-9733664-GGCGGGGACGTCGCGGGGGACCCGGGGCCC-G.
Other names: short protein forms P57fs.
Identifiers: ClinVar variation 98616 (VCV000098616.8), dbSNP rs63749126, ClinGen allele CA226163.

ClinVar aggregate classification (germline): Pathogenic. Review status: criteria provided, multiple submitters, no conflicts (2 of 4 stars). 3 submissions from 3 submitters: Pathogenic (2). 1 of the submissions does not count toward it. Last evaluated 2024-02-23.

Conditions:
GPR143-related disorders.

Submissions (3):

Blueprint Genetics
Classification: Pathogenic for GPR143-related disorders. Last evaluated: 2024-02-23. Review status: criteria provided, single submitter. Criteria: ACMG Guidelines, 2015. Collection method: clinical testing. Allele origin: germline. Affected: yes. Observed: 1 variant allele.

Labcorp Genetics (formerly Invitae), Labcorp
Classification: Pathogenic. Last evaluated: 2022-08-06. Review status: criteria provided, single submitter. Criteria: Invitae Variant Classification Sherloc (09022015). Collection method: clinical testing. Allele origin: germline.
Comment: This variant has not been reported in the literature in individuals affected with GPR143-related conditions. For these reasons, this variant has been classified as Pathogenic. ClinVar contains an entry for this variant (Variation ID: 98616). The frequency data for this variant in the population databases is considered unreliable, as metrics indicate insufficient coverage at this position in the gnomAD database. This sequence change creates a premature translational stop signal (p.Pro57Leufs*34) in the GPR143 gene. It is expected to result in an absent or disrupted protein product. Loss-of-function variants in GPR143 are known to be pathogenic (PMID: 15965158, 18978956, 19390656, 21541274, 26160353, 28211458).

Retina International
No classification provided. Review status: no classification provided. Collection method: not provided. Allele origin: not provided. Not counted in ClinVar's aggregate classification.

Literature cited by the submitters: PubMed 15965158 (cited by Labcorp Genetics (formerly Invitae), Labcorp); PubMed 18978956 (cited by Labcorp Genetics (formerly Invitae), Labcorp); PubMed 19390656 (cited by Labcorp Genetics (formerly Invitae), Labcorp); PubMed 21541274 (cited by Labcorp Genetics (formerly Invitae), Labcorp); PubMed 26160353 (cited by Labcorp Genetics (formerly Invitae), Labcorp); PubMed 28211458 (cited by Labcorp Genetics (formerly Invitae), Labcorp).